The following is an entry in ClinVar:

ClinVar aggregate classification (germline): Uncertain significance (1 of 4 stars; one submission).

Submission:

Greenwood Genetic Center Diagnostic Laboratories, Greenwood Genetic Center
Classification: Uncertain significance. Last evaluated: 2025-02-24. Review status: criteria provided, single submitter. Criteria: ACMG Guidelines, 2015. Collection method: clinical testing. Allele origin: germline.
Comment: PM2, PP2

NM_003482.4(KMT2D):c.11462A>T (p.Gln3821Leu)

Gene: KMT2D (lysine methyltransferase 2D; minus strand). Cytogenetic location: 12q13.12.
Variant type: single nucleotide variant.
Coding change: c.11462A>T on transcript NM_003482.4 (MANE Select); coding-DNA position 11462, A replaced by T.
Protein change: p.Gln3821Leu; replaces glutamine 3821 with leucine.
Molecular consequence: missense variant.
Genome position (GRCh38, 1-based): chr12:49,033,243, T>A on the plus strand (A>T on the coding strand, the complement: KMT2D is on the minus strand). VCF-style: chr12-49033243-T-A. GRCh37 (hg19) VCF-style: chr12-49427026-T-A.
Other names: short protein forms Q3821L.
Identifiers: ClinVar variation 4851683 (VCV004851683.1).